The following is an entry in ClinVar:

NM_004132.5(HABP2):c.1379G>C (p.Gly460Ala)

Gene: HABP2 (hyaluronan binding protein 2; plus strand). Cytogenetic location: 10q25.3.
Variant type: single nucleotide variant.
Coding change: c.1379G>C on transcript NM_004132.5 (MANE Select); coding-DNA position 1379, G replaced by C.
Protein change: p.Gly460Ala; replaces glycine 460 with alanine.
Molecular consequence: missense variant.
Genome position (GRCh38, 1-based): chr10:113,585,799, G>C. VCF-style: chr10-113585799-G-C. GRCh37 (hg19) VCF-style: chr10-115345558-G-C.
Other names: c.1301G>C, p.Gly434Ala (NM_001177660.3); c.1379G>C (NM_004132.4); short protein forms G460A, G434A.
Identifiers: ClinVar variation 298919 (VCV000298919.31), dbSNP rs113091571, ClinGen allele CA5694016.

ClinVar aggregate classification (germline): Conflicting classifications of pathogenicity. Review status: criteria provided, conflicting classifications (1 of 4 stars). 4 submissions from 4 submitters: Uncertain significance (2); Likely benign (1). 1 of the submissions does not count toward it. Last evaluated 2023-10-01.

Conditions:
HABP2-related disorder. Also called: HABP2-related condition.
Factor VII-activating protease marburg I. Identifiers: MedGen CN068943.

Allele frequency attached by ClinVar (database versions not stated): 1000 Genomes Project 30x 0.00031; 1000 Genomes Project 0.00040; TOPMed 0.00072; ESP Exome Variant Server 0.00077; gnomAD 0.00090 and 0.00092; ExAC 0.00112; gnomAD exomes 0.00139.
gnomAD v4.1: 1,184 of 1,613,582 alleles (0.073%); highest among the groups gnomAD compares: Admixed American, 0.063%; 14 homozygotes.

Submissions (4):

CeGaT Center for Human Genetics Tuebingen
Classification: Likely benign. Last evaluated: 2023-10-01. Review status: criteria provided, single submitter. Criteria: CeGaT Center For Human Genetics Tuebingen Variant Classification Criteria Version 2. Collection method: clinical testing. Allele origin: germline. Affected: yes. Observed: 2 variant alleles.
Comment: HABP2: BP4, BS2

Illumina Laboratory Services, Illumina
Classification: Uncertain significance for Factor VII Marburg I Variant Thrombophilia. Last evaluated: 2018-01-12. Review status: criteria provided, single submitter. Criteria: ICSL Variant Classification Criteria 13 December 2019. Collection method: clinical testing. Allele origin: germline.

Breakthrough Genomics
Classification: Uncertain significance. Review status: criteria provided, single submitter. Criteria: ACMG Guidelines, 2015. Collection method: not provided. Allele origin: germline. Inheritance: Autosomal dominant inheritance. Affected: yes.

PreventionGenetics, part of Exact Sciences
Classification: Benign for HABP2-related condition. Last evaluated: 2020-05-04. Review status: no assertion criteria provided. Collection method: clinical testing. Allele origin: germline. Not counted in ClinVar's aggregate classification.
Comment: This variant is classified as benign based on ACMG/AMP sequence variant interpretation guidelines (Richards et al. 2015 PMID: 25741868, with internal and published modifications).